The following is an entry in ClinVar:

NM_014159.7(SETD2):c.6768C>T (p.Val2256=)

Gene: SETD2 (SET domain containing 2, histone lysine methyltransferase; minus strand). Cytogenetic location: 3p21.31.
Variant type: single nucleotide variant.
Coding change: c.6768C>T on transcript NM_014159.7 (MANE Select); coding-DNA position 6768, C replaced by T.
Protein change: p.Val2256=; no amino-acid change (valine 2256 retained).
Molecular consequence: synonymous variant. On other transcripts: non-coding transcript variant (1).
Genome position (GRCh38, 1-based): chr3:47,057,016, G>A on the plus strand (C>T on the coding strand, the complement: SETD2 is on the minus strand). VCF-style: chr3-47057016-G-A. GRCh37 (hg19) VCF-style: chr3-47098506-G-A.
Other names: c.6636C>T, p.Val2212= (NM_001349370.3).
Identifiers: ClinVar variation 766919 (VCV000766919.12), dbSNP rs147243526, ClinGen allele CA2362667.

ClinVar aggregate classification (germline): Likely benign. Review status: criteria provided, multiple submitters, no conflicts (2 of 4 stars). 3 submissions from 3 submitters: Likely benign (2). 1 of the submissions does not count toward it. Last evaluated 2026-01-28.

Conditions:
SETD2-related disorder.
Luscan-Lumish syndrome. Identifiers: Orphanet 597738, MedGen C4085873, MONDO:0014791, OMIM 616831.

Allele frequency attached by ClinVar (database versions not stated): gnomAD 0.00029 and 0.00032; gnomAD exomes 0.00005 and 0.00008; ExAC 0.00007; TOPMed 0.00040; ESP Exome Variant Server 0.00054.
gnomAD v4.1: 131 of 1,614,268 alleles (0.0081%); highest among the groups gnomAD compares: African/African-American, 0.11%; 2 homozygotes.

Submissions (3):

Labcorp Genetics (formerly Invitae), Labcorp
Classification: Likely benign for Luscan-Lumish syndrome. Last evaluated: 2026-01-28. Review status: criteria provided, single submitter. Criteria: Invitae Variant Classification Sherloc (09022015). Collection method: clinical testing. Allele origin: germline.

Blueprint Genetics
Classification: Likely benign. Last evaluated: 2024-11-01. Review status: criteria provided, single submitter. Criteria: ACMG Guidelines, 2015. Collection method: clinical testing. Allele origin: germline.

PreventionGenetics, part of Exact Sciences
Classification: Likely benign for SETD2-related condition. Last evaluated: 2021-11-29. Review status: no assertion criteria provided. Collection method: clinical testing. Allele origin: germline. Not counted in ClinVar's aggregate classification.
Comment: This variant is classified as likely benign based on ACMG/AMP sequence variant interpretation guidelines (Richards et al. 2015 PMID: 25741868, with internal and published modifications).